The following is an entry in ClinVar:

ClinVar aggregate classification (germline): Uncertain significance. Review status: criteria provided, multiple submitters, no conflicts (2 of 4 stars). 2 submissions from 2 submitters: Uncertain significance (2). Last evaluated 2026-07-01.

Conditions:
DICER1-related tumor predisposition. Also called: DICER1 syndrome; DICER1-related pleuropulmonary blastoma cancer predisposition syndrome. Identifiers: Orphanet 284343, MedGen C3839822, MONDO:0100216.
Hereditary cancer-predisposing syndrome. Also called: Neoplastic Syndromes, Hereditary; Hereditary neoplastic syndrome; Hereditary Cancer Syndrome; Tumor predisposition. Identifiers: Orphanet 140162, MedGen C0027672, MeSH D009386, MONDO:0015356.

Submissions (2):

Ambry Genetics
Classification: Uncertain significance for Hereditary cancer-predisposing syndrome. Last evaluated: 2026-07-01. Review status: criteria provided, single submitter. Criteria: Ambry Variant Classification Scheme 2023. Collection method: clinical testing. Allele origin: germline.
Comment: The p.K1779E variant (also known as c.5335A>G), located in coding exon 23 of the DICER1 gene, results from an A to G substitution at nucleotide position 5335. The lysine at codon 1779 is replaced by glutamic acid, an amino acid with similar properties. This amino acid position is conserved. In addition, the in silico prediction for this alteration is inconclusive. Based on the available evidence, the clinical significance of this variant remains unclear.

Labcorp Genetics (formerly Invitae), Labcorp
Classification: Uncertain significance for DICER1-related tumor predisposition. Last evaluated: 2025-07-21. Review status: criteria provided, single submitter. Criteria: Invitae Variant Classification Sherloc (09022015). Collection method: clinical testing. Allele origin: germline.
Comment: This sequence change replaces lysine, which is basic and polar, with glutamic acid, which is acidic and polar, at codon 1779 of the DICER1 protein (p.Lys1779Glu). This variant is not present in population databases (gnomAD no frequency). This variant has not been reported in the literature in individuals affected with DICER1-related conditions. ClinVar contains an entry for this variant (Variation ID: 477255). Invitae Evidence Modeling of protein sequence and biophysical properties (such as structural, functional, and spatial information, amino acid conservation, physicochemical variation, residue mobility, and thermodynamic stability) indicates that this missense variant is not expected to disrupt DICER1 protein function with a negative predictive value of 95%. In summary, the available evidence is currently insufficient to determine the role of this variant in disease. Therefore, it has been classified as a Variant of Uncertain Significance.

NM_177438.3(DICER1):c.5335A>G (p.Lys1779Glu)

Gene: DICER1 (dicer 1, ribonuclease III; minus strand). Cytogenetic location: 14q32.13.
Variant type: single nucleotide variant.
Coding change: c.5335A>G on transcript NM_177438.3 (MANE Select); coding-DNA position 5335, A replaced by G.
Protein change: p.Lys1779Glu; replaces lysine 1779 with glutamic acid.
Molecular consequence: missense variant.
Genome position (GRCh38, 1-based): chr14:95,093,917, T>C on the plus strand (A>G on the coding strand, the complement: DICER1 is on the minus strand). VCF-style: chr14-95093917-T-C. GRCh37 (hg19) VCF-style: chr14-95560254-T-C.
Other names: c.5335A>G, p.Lys1779Glu (NM_001195573.1, NM_001271282.3, NM_001291628.2 and 1 more transcripts); short protein forms K1779E.
Identifiers: ClinVar variation 477255 (VCV000477255.11), dbSNP rs1555366685, ClinGen allele CA390864919.